The following is an entry in ClinVar:

ClinVar aggregate classification (germline): Uncertain significance. Review status: criteria provided, multiple submitters, no conflicts (2 of 4 stars). 2 submissions from 2 submitters: Uncertain significance (2). Last evaluated 2025-10-22.

Conditions:
Inborn genetic diseases. Identifiers: MedGen C0950123, MeSH D030342.

Submissions (2):

Ambry Genetics
Classification: Uncertain significance for Inborn genetic diseases. Last evaluated: 2025-10-22. Review status: criteria provided, single submitter. Criteria: Ambry Variant Classification Scheme 2023. Collection method: clinical testing. Allele origin: germline.

Labcorp Genetics (formerly Invitae), Labcorp
Classification: Uncertain significance. Last evaluated: 2024-12-03. Review status: criteria provided, single submitter. Criteria: Invitae Variant Classification Sherloc (09022015). Collection method: clinical testing. Allele origin: germline.
Comment: This sequence change replaces aspartic acid, which is acidic and polar, with glutamic acid, which is acidic and polar, at codon 106 of the LCT protein (p.Asp106Glu). This variant is present in population databases (rs34307240, gnomAD 0.01%). This variant has not been reported in the literature in individuals affected with LCT-related conditions. ClinVar contains an entry for this variant (Variation ID: 1479262). An algorithm developed to predict the effect of missense changes on protein structure and function outputs the following: PolyPhen-2: "Benign". The glutamic acid amino acid residue is found in multiple mammalian species, which suggests that this missense change does not adversely affect protein function. In summary, the available evidence is currently insufficient to determine the role of this variant in disease. Therefore, it has been classified as a Variant of Uncertain Significance.

NM_002299.4(LCT):c.318C>G (p.Asp106Glu)

Gene: LCT (lactase; minus strand). Cytogenetic location: 2q21.3.
Variant type: single nucleotide variant.
Coding change: c.318C>G on transcript NM_002299.4 (MANE Select); coding-DNA position 318, C replaced by G.
Protein change: p.Asp106Glu; replaces aspartic acid 106 with glutamic acid.
Molecular consequence: missense variant.
Genome position (GRCh38, 1-based): chr2:135,836,852, G>C on the plus strand (C>G on the coding strand, the complement: LCT is on the minus strand). VCF-style: chr2-135836852-G-C. GRCh37 (hg19) VCF-style: chr2-136594422-G-C.
Other names: c.318C>G (NM_002299.2); short protein forms D106E.
Identifiers: ClinVar variation 1479262 (VCV001479262.9), dbSNP rs34307240, ClinGen allele CA1888665.